The following is an entry in ClinVar:

NM_003998.4(NFKB1):c.1558del (p.Tyr520fs)

Gene: NFKB1 (nuclear factor kappa B subunit 1; plus strand). Cytogenetic location: 4q24.
Variant type: Deletion.
Coding change: c.1558del on transcript NM_003998.4 (MANE Select); coding-DNA position 1558, one base deleted (T; older notation c.1558delT).
Protein change: p.Tyr520fs; shifts the reading frame from tyrosine 520.
Molecular consequence: frameshift variant.
Genome position (GRCh38, 1-based): chr4:102,597,582, T deleted. VCF-style (leftmost placement, unchanged base first): chr4-102597581-CT-C. GRCh37 (hg19) VCF-style: chr4-103518738-CT-C.
Other names: c.1555del, p.Tyr519fs (NM_001165412.2, NM_001319226.2, NM_001382627.1); c.1558del, p.Tyr520fs (NM_001382625.1, NM_001382626.1); c.1516del, p.Tyr506fs (NM_001382628.1); short protein forms Y519fs, Y506fs, Y520fs.
Identifiers: ClinVar variation 4720860 (VCV004720860.1).

ClinVar aggregate classification (germline): Pathogenic (1 of 4 stars; one submission).

Submission:

Labcorp Genetics (formerly Invitae), Labcorp
Classification: Pathogenic. Last evaluated: 2025-06-06. Review status: criteria provided, single submitter. Criteria: Invitae Variant Classification Sherloc (09022015). Collection method: clinical testing. Allele origin: germline.
Comment: This sequence change creates a premature translational stop signal (p.Tyr520Thrfs*3) in the NFKB1 gene. It is expected to result in an absent or disrupted protein product. Loss-of-function variants in NFKB1 are known to be pathogenic (PMID: 26279205, 29477724). This variant is not present in population databases (gnomAD no frequency). This variant has not been reported in the literature in individuals affected with NFKB1-related conditions. For these reasons, this variant has been classified as Pathogenic.

Literature cited by the submitters: PubMed 26279205; PubMed 29477724.